The following is an entry in ClinVar:

NM_014694.4(ADAMTSL2):c.1851C>A (p.Cys617Ter)

Gene: ADAMTSL2 (ADAMTS like 2; plus strand). Cytogenetic location: 9q34.2.
Variant type: single nucleotide variant.
Coding change: c.1851C>A on transcript NM_014694.4 (MANE Select); coding-DNA position 1851, C replaced by A.
Protein change: p.Cys617Ter; replaces cysteine 617 with a stop codon.
Molecular consequence: nonsense.
Genome position (GRCh38, 1-based): chr9:133,567,039, C>A. VCF-style: chr9-133567039-C-A. GRCh37 (hg19) VCF-style: chr9-136432161-C-A.
Other names: c.1851C>A, p.Cys617Ter (NM_001145320.2); short protein forms C617*.
Identifiers: ClinVar variation 1326007 (VCV001326007.2), dbSNP rs1314951341, ClinGen allele CA375401930.

ClinVar aggregate classification (germline): Likely pathogenic (1 of 4 stars; one submission).

Submission:

GeneDx
Classification: Likely pathogenic. Last evaluated: 2021-05-17. Review status: criteria provided, single submitter. Criteria: GeneDx Variant Classification Process June 2021. Collection method: clinical testing. Allele origin: germline. Affected: yes.
Comment: Has not been previously published as pathogenic or benign to our knowledge; Nonsense variant predicted to result in protein truncation or nonsense mediated decay in a gene for which loss-of-function is a known mechanism of disease; Not observed in large population cohorts (Lek et al., 2016)